The following is an entry in ClinVar:

ClinVar aggregate classification (germline): Uncertain significance (1 of 4 stars; one submission).

Conditions:
Immunodeficiency 14 (IMD14A). Also called: p110-DELTA-ACTIVATING MUTATION CAUSING SENESCENT T CELLS, LYMPHADENOPATHY, AND IMMUNODEFICIENCY; IMMUNODEFICIENCY 14A WITH LYMPHOPROLIFERATION, AUTOSOMAL DOMINANT; ACTIVATED PI3K-DELTA SYNDROME 1; Activated PI3K Delta Syndrome Type 1 (APDS1). Identifiers: Orphanet 397596, Orphanet 693661, MedGen C5907821, MONDO:0014222, OMIM 615513.

Submission:

Labcorp Genetics (formerly Invitae), Labcorp
Classification: Uncertain significance for Activated PI3K-delta syndrome. Last evaluated: 2023-05-29. Review status: criteria provided, single submitter. Criteria: Invitae Variant Classification Sherloc (09022015). Collection method: clinical testing. Allele origin: germline.
Comment: In summary, the available evidence is currently insufficient to determine the role of this variant in disease. Therefore, it has been classified as a Variant of Uncertain Significance. Advanced modeling of protein sequence and biophysical properties (such as structural, functional, and spatial information, amino acid conservation, physicochemical variation, residue mobility, and thermodynamic stability) performed at Invitae indicates that this missense variant is expected to disrupt PIK3CD protein function. This variant has not been reported in the literature in individuals affected with PIK3CD-related conditions. This variant is not present in population databases (gnomAD no frequency). This sequence change replaces proline, which is neutral and non-polar, with serine, which is neutral and polar, at codon 455 of the PIK3CD protein (p.Pro455Ser).

NM_005026.5(PIK3CD):c.1363C>T (p.Pro455Ser)

Genes: PIK3CD (phosphatidylinositol-4,5-bisphosphate 3-kinase catalytic subunit delta; plus strand), LOC126805612 (MED14-independent group 3 enhancer GRCh37_chr1:9778914-9780113; plus strand). Cytogenetic location: 1p36.22.
Variant type: single nucleotide variant.
Coding change: c.1363C>T on transcript NM_005026.5 (MANE Select); coding-DNA position 1363, C replaced by T.
Protein change: p.Pro455Ser; replaces proline 455 with serine.
Molecular consequence: missense variant.
Genome position (GRCh38, 1-based): chr1:9,720,135, C>T. VCF-style: chr1-9720135-C-T. GRCh37 (hg19) VCF-style: chr1-9780193-C-T.
Other names: c.1363C>T, p.Pro455Ser (NM_001350234.2); c.1276C>T, p.Pro426Ser (NM_001350235.1); short protein forms P426S, P455S.
Identifiers: ClinVar variation 2748223 (VCV002748223.3), dbSNP rs2524995342, ClinGen allele CA338302718.